The following is an entry in ClinVar:

ClinVar aggregate classification (germline): Uncertain significance. Review status: criteria provided, multiple submitters, no conflicts (2 of 4 stars). 2 submissions from 2 submitters: Uncertain significance (2). Last evaluated 2026-02-01.

Allele frequency attached by ClinVar (database versions not stated): ExAC 0.00003; gnomAD exomes 0.00003; TOPMed 0.00016; gnomAD 0.00019.
gnomAD v4.1: 70 of 1,613,860 alleles (0.0043%); highest among the groups gnomAD compares: Admixed American, 0.063%; no homozygotes.

Submissions (2):

CeGaT Center for Human Genetics Tuebingen
Classification: Uncertain significance. Last evaluated: 2026-02-01. Review status: criteria provided, single submitter. Criteria: CeGaT Center For Human Genetics Tuebingen Variant Classification Criteria Version 2. Collection method: clinical testing. Allele origin: germline. Affected: yes. Observed: 1 variant allele.

Labcorp Genetics (formerly Invitae), Labcorp
Classification: Uncertain significance. Last evaluated: 2022-05-25. Review status: criteria provided, single submitter. Criteria: Invitae Variant Classification Sherloc (09022015). Collection method: clinical testing. Allele origin: germline.
Comment: This sequence change replaces arginine, which is basic and polar, with histidine, which is basic and polar, at codon 2328 of the ANK3 protein (p.Arg2328His). This variant is present in population databases (rs774905406, gnomAD 0.03%). This variant has not been reported in the literature in individuals affected with ANK3-related conditions. Algorithms developed to predict the effect of missense changes on protein structure and function are either unavailable or do not agree on the potential impact of this missense change (SIFT: "Not Available"; PolyPhen-2: "Probably Damaging"; Align-GVGD: "Not Available"). In summary, the available evidence is currently insufficient to determine the role of this variant in disease. Therefore, it has been classified as a Variant of Uncertain Significance.

NM_020987.5(ANK3):c.6983G>A (p.Arg2328His)

Gene: ANK3 (ankyrin 3; minus strand). Cytogenetic location: 10q21.2.
Variant type: single nucleotide variant.
Coding change: c.6983G>A on transcript NM_020987.5 (MANE Select); coding-DNA position 6983, G replaced by A.
Protein change: p.Arg2328His; replaces arginine 2328 with histidine.
Molecular consequence: missense variant. On other transcripts: intron variant (4).
Genome position (GRCh38, 1-based): chr10:60,073,898, C>T on the plus strand (G>A on the coding strand, the complement: ANK3 is on the minus strand). VCF-style: chr10-60073898-C-T. GRCh37 (hg19) VCF-style: chr10-61833656-C-T.
Other names: c.4388-5889G>A (NM_001204403.2); c.4409-5889G>A (NM_001204404.2); c.4406-5889G>A (NM_001320874.2); c.1808-5889G>A (NM_001149.4); short protein forms R2328H.
Identifiers: ClinVar variation 1940029 (VCV001940029.6), dbSNP rs774905406, ClinGen allele CA5511774.